The following is an entry in ClinVar:

NM_006412.4(AGPAT2):c.254_258dup (p.Gln87fs)

Gene: AGPAT2 (1-acylglycerol-3-phosphate O-acyltransferase 2; minus strand). Cytogenetic location: 9q34.3.
Variant type: Duplication.
Coding change: c.254_258dup on transcript NM_006412.4 (MANE Select); coding-DNA positions 254 to 258, 5 bases duplicated (GGCTG; older notation c.254_258dupGGCTG).
Protein change: p.Gln87fs; shifts the reading frame from glutamine 87.
Molecular consequence: frameshift variant.
Genome position (GRCh38, 1-based): chr9:136,677,481-136,677,485, CAGCC duplicated on the plus strand (GGCTG on the coding strand, the reverse complement: AGPAT2 is on the minus strand). VCF-style (leftmost placement, unchanged base first): chr9-136677480-G-GCAGCC. GRCh37 (hg19) VCF-style: chr9-139571932-G-GCAGCC.
Other names: c.254_258dup, p.Gln87fs (NM_001012727.2); short protein forms Q87fs.
Identifiers: ClinVar variation 3234919 (VCV003234919.1), dbSNP rs2490701553, ClinGen allele CA2695211769.
Genomic context (GRCh38, chr9:136,677,480, plus strand): 5'-TACCCATCATGTCCAGGATGCTCTGGTGGTTGGAGACGATGACACAGGGACGGGCCTCCT[G>GCAGCC]CAGCCTGCGCGGGTCCCGCACCTCGAAGCGGAGCCCGTAAAAGTACTTGAAGCTTCGCAC-3'

ClinVar aggregate classification (germline): Likely pathogenic (1 of 4 stars; one submission).

Conditions:
Congenital generalized lipodystrophy type 1 (CGL1). Also called: Berardinelli-Seip Congenital Lipodystrophy Type 1; BRUNZELL SYNDROME, AGPAT2-RELATED. Identifiers: Orphanet 528, Orphanet 696189, MedGen C1720862, MONDO:0012071, OMIM 608594.

Submission:

Neuberg Centre For Genomic Medicine, NCGM
Classification: Likely pathogenic for Congenital generalized lipodystrophy type 1. Review status: criteria provided, single submitter. Criteria: ACMG Guidelines, 2015. Collection method: clinical testing. Allele origin: germline. Inheritance: Autosomal recessive inheritance. Affected: yes.
Comment: The frameshift c.254_258dupp.Gln87GlyfsTer20 variant in AGPAT2 gene has not been reported previously as a pathogenic variant nor as a benign variant, to our knowledge. This variant is novel not in any individuals in gnomAD Exomes and 1000 Genomes. This variant is predicted to cause loss of normal protein function through protein truncation. Loss of function variants have been previously reported to be disease causing. For these reasons, this variant has been classified as Likely Pathogenic.